The following is an entry in ClinVar:

NM_001372044.2(SHANK3):c.3760A>G (p.Lys1254Glu)

Gene: SHANK3 (SH3 and multiple ankyrin repeat domains 3; plus strand). Cytogenetic location: 22q13.33.
Variant type: single nucleotide variant.
Coding change: c.3760A>G on transcript NM_001372044.2 (MANE Select); coding-DNA position 3760, A replaced by G.
Protein change: p.Lys1254Glu; replaces lysine 1254 with glutamic acid.
Molecular consequence: missense variant.
Genome position (GRCh38, 1-based): chr22:50,721,368, A>G. VCF-style: chr22-50721368-A-G. GRCh37 (hg19) VCF-style: chr22-51159796-A-G.
Other names: c.3535A>G, p.Lys1179Glu (NM_033517.1); short protein forms K1179E, K1254E.
Identifiers: ClinVar variation 588531 (VCV000588531.5), dbSNP rs771528741, ClinGen allele CA10326058.

ClinVar aggregate classification (germline): Uncertain significance (1 of 4 stars; one submission).

Conditions:
Inborn genetic diseases. Identifiers: MedGen C0950123, MeSH D030342.

Allele frequency attached by ClinVar (database versions not stated): ExAC 0.00001; gnomAD 0.00002; gnomAD exomes 0.00003 and 0.00004; TOPMed 0.00004.

Submission:

Ambry Genetics
Classification: Uncertain significance for Inborn genetic diseases. Last evaluated: 2016-12-09. Review status: criteria provided, single submitter. Criteria: Ambry Variant Classification Scheme 2023. Collection method: clinical testing. Allele origin: germline.
Comment: The p.K1179E variant (also known as c.3535A>G), located in coding exon 21 of the SHANK3 gene, results from an A to G substitution at nucleotide position 3535. The lysine at codon 1179 is replaced by glutamic acid, an amino acid with similar properties. This nucleotide position is not well conserved in available vertebrate species. Since supporting evidence is limited at this time, the clinical significance of this variant remains unclear.